The following is an entry in ClinVar:

NM_005188.4(CBL):c.1388C>A (p.Ala463Asp)

Gene: CBL (Cbl proto-oncogene; plus strand). Cytogenetic location: 11q23.3.
Variant type: single nucleotide variant.
Coding change: c.1388C>A on transcript NM_005188.4 (MANE Select); coding-DNA position 1388, C replaced by A.
Protein change: p.Ala463Asp; replaces alanine 463 with aspartic acid.
Molecular consequence: missense variant.
Genome position (GRCh38, 1-based): chr11:119,278,670, C>A. VCF-style: chr11-119278670-C-A. GRCh37 (hg19) VCF-style: chr11-119149380-C-A.
Other names: c.1388C>A (NM_005188.2); short protein forms A463D.
Identifiers: ClinVar variation 3730620 (VCV003730620.3).

ClinVar aggregate classification (germline): Uncertain significance. Review status: criteria provided, multiple submitters, no conflicts (2 of 4 stars). 2 submissions from 2 submitters: Uncertain significance (2). Last evaluated 2026-03-02.

Conditions:
RASopathy. Also called: Noonan spectrum disorder; rasopathies. Identifiers: Orphanet 536391, MedGen C5555857, MONDO:0021060.
Cardiovascular phenotype. Identifiers: MedGen CN230736.

gnomAD v4.1: 1 of 1,614,012 alleles (0.000062%); highest among the groups gnomAD compares: Non-Finnish European, 0.000085%; no homozygotes.

Submissions (2):

Ambry Genetics
Classification: Uncertain significance for Cardiovascular phenotype. Last evaluated: 2026-03-02. Review status: criteria provided, single submitter. Criteria: Ambry Variant Classification Scheme 2023. Collection method: clinical testing. Allele origin: germline.
Comment: The p.A463D variant (also known as c.1388C>A), located in coding exon 9 of the CBL gene, results from a C to A substitution at nucleotide position 1388. The alanine at codon 463 is replaced by aspartic acid, an amino acid with dissimilar properties. This amino acid position is conserved. In addition, this alteration is predicted to be tolerated by in silico analysis. Based on the available evidence, the clinical significance of this variant remains unclear.

Labcorp Genetics (formerly Invitae), Labcorp
Classification: Uncertain significance for RASopathy. Last evaluated: 2024-07-19. Review status: criteria provided, single submitter. Criteria: Invitae Variant Classification Sherloc (09022015). Collection method: clinical testing. Allele origin: germline.
Comment: This sequence change replaces alanine, which is neutral and non-polar, with aspartic acid, which is acidic and polar, at codon 463 of the CBL protein (p.Ala463Asp). This variant is not present in population databases (gnomAD no frequency). This variant has not been reported in the literature in individuals affected with CBL-related conditions. Advanced modeling of protein sequence and biophysical properties (such as structural, functional, and spatial information, amino acid conservation, physicochemical variation, residue mobility, and thermodynamic stability) performed at Invitae indicates that this missense variant is not expected to disrupt CBL protein function with a negative predictive value of 95%. In summary, the available evidence is currently insufficient to determine the role of this variant in disease. Therefore, it has been classified as a Variant of Uncertain Significance.